The following is an entry in ClinVar:

NM_153006.3(NAGS):c.739C>T (p.Gln247Ter)

Gene: NAGS (N-acetylglutamate synthase; plus strand). Cytogenetic location: 17q21.31.
Variant type: single nucleotide variant.
Coding change: c.739C>T on transcript NM_153006.3 (MANE Select); coding-DNA position 739, C replaced by T.
Protein change: p.Gln247Ter; replaces glutamine 247 with a stop codon.
Molecular consequence: nonsense.
Genome position (GRCh38, 1-based): chr17:44,006,061, C>T. VCF-style: chr17-44006061-C-T. GRCh37 (hg19) VCF-style: chr17-42083429-C-T.
Other names: short protein forms Q247*.
Identifiers: ClinVar variation 1069900 (VCV001069900.10), dbSNP rs748875458, ClinGen allele CA8595215.

ClinVar aggregate classification (germline): Pathogenic/Likely pathogenic. Review status: criteria provided, multiple submitters, no conflicts (2 of 4 stars). 3 submissions from 3 submitters: Pathogenic (1); Likely pathogenic (2). Last evaluated 2024-03-10.

Conditions:
Hyperammonemia, type III (NAGSD). Also called: Hyperammonemia due to N-acetylglutamate synthase deficiency. Identifiers: Orphanet 927, MedGen C0268543, MONDO:0009377, OMIM 237310.

Allele frequency attached by ClinVar (database versions not stated): gnomAD exomes 0.00001 and 0.00003; ExAC 0.00002; gnomAD 0.00002; TOPMed 0.00002.

Submissions (3):

Baylor Genetics
Classification: Likely pathogenic for Hyperammonemia, type III. Last evaluated: 2024-03-10. Review status: criteria provided, single submitter. Criteria: ACMG Guidelines, 2015. Collection method: clinical testing. Allele origin: unknown.

Labcorp Genetics (formerly Invitae), Labcorp
Classification: Pathogenic for Hyperammonemia, type III. Last evaluated: 2024-02-19. Review status: criteria provided, single submitter. Criteria: Invitae Variant Classification Sherloc (09022015). Collection method: clinical testing. Allele origin: germline.
Comment: This sequence change creates a premature translational stop signal (p.Gln247*) in the NAGS gene. It is expected to result in an absent or disrupted protein product. Loss-of-function variants in NAGS are known to be pathogenic (PMID: 12594532). This variant is present in population databases (rs748875458, gnomAD 0.08%). This variant has not been reported in the literature in individuals affected with NAGS-related conditions. ClinVar contains an entry for this variant (Variation ID: 1069900). For these reasons, this variant has been classified as Pathogenic.

Fulgent Genetics
Classification: Likely pathogenic for Hyperammonemia, type III. Last evaluated: 2022-03-01. Review status: criteria provided, single submitter. Criteria: ACMG Guidelines, 2015. Collection method: clinical testing. Allele origin: unknown.

Literature cited by the submitters: PubMed 12594532 (cited by Labcorp Genetics (formerly Invitae), Labcorp).